The following is an entry in ClinVar:

NM_000059.4(BRCA2):c.2125C>A (p.Leu709Met)

Gene: BRCA2 (BRCA2 DNA repair associated; plus strand). Cytogenetic location: 13q13.1.
Variant type: single nucleotide variant.
Coding change: c.2125C>A on transcript NM_000059.4 (MANE Select); coding-DNA position 2125, C replaced by A.
Protein change: p.Leu709Met; replaces leucine 709 with methionine.
Molecular consequence: missense variant.
Genome position (GRCh38, 1-based): chr13:32,336,480, C>A. VCF-style: chr13-32336480-C-A. GRCh37 (hg19) VCF-style: chr13-32910617-C-A.
Other names: short protein forms L709M.
Identifiers: ClinVar variation 441360 (VCV000441360.16), dbSNP rs80358489, ClinGen allele CA387770053.

ClinVar aggregate classification (germline): Conflicting classifications of pathogenicity. Review status: criteria provided, conflicting classifications (1 of 4 stars). 3 submissions from 3 submitters: Uncertain significance (2); Likely benign (1). Last evaluated 2023-03-23.

Conditions:
Hereditary cancer-predisposing syndrome. Also called: Hereditary Cancer Syndrome; Hereditary neoplastic syndrome; Neoplastic Syndromes, Hereditary; Tumor predisposition. Identifiers: Orphanet 140162, MedGen C0027672, MeSH D009386, MONDO:0015356.
Hereditary breast ovarian cancer syndrome. Also called: Hereditary breast and ovarian cancer; Breast and ovarian cancer; Hereditary breast and ovarian cancer syndrome; Hereditary breast and/or ovarian cancer syndrome; BRCA1- and BRCA2-Associated Hereditary Breast and Ovarian Cancer; Hereditary breast and ovarian cancer syndrome (HBOC). Identifiers: Orphanet 145, MedGen C0677776, MeSH D061325, MONDO:0003582. Disease mechanism: loss of function.

Submissions (3):

University of Washington Department of Laboratory Medicine, University of Washington
Classification: Likely benign for Hereditary cancer-predisposing syndrome. Last evaluated: 2023-03-23. Review status: criteria provided, single submitter. Criteria: Dines et al. (Genet Med. 2020). Collection method: curation. Allele origin: germline.
Comment: Missense variant in a coldspot region where missense variants are very unlikely to be pathogenic (PMID:31911673).

BRCA2 exon 11 coldspot. Reclassification based on statistical prior probability.

Labcorp Genetics (formerly Invitae), Labcorp
Classification: Uncertain significance for Hereditary breast ovarian cancer syndrome. Last evaluated: 2019-06-16. Review status: criteria provided, single submitter. Criteria: Invitae Variant Classification Sherloc (09022015). Collection method: clinical testing. Allele origin: germline.
Comment: This variant has not been reported in the literature in individuals with BRCA2-related conditions. ClinVar contains an entry for this variant (Variation ID: 441360). In summary, the available evidence is currently insufficient to determine the role of this variant in disease. Therefore, it has been classified as a Variant of Uncertain Significance. Algorithms developed to predict the effect of missense changes on protein structure and function output the following: SIFT: "Tolerated"; PolyPhen-2: "Possibly Damaging"; Align-GVGD: "Class C0". The methionine amino acid residue is found in multiple mammalian species, suggesting that this missense change does not adversely affect protein function. These predictions have not been confirmed by published functional studies and their clinical significance is uncertain. This variant is not present in population databases (ExAC no frequency). This sequence change replaces leucine with methionine at codon 709 of the BRCA2 protein (p.Leu709Met). The leucine residue is weakly conserved and there is a small physicochemical difference between leucine and methionine.

Ambry Genetics
Classification: Uncertain significance for Hereditary cancer-predisposing syndrome. Last evaluated: 2016-10-21. Review status: criteria provided, single submitter. Criteria: Ambry Variant Classification Scheme 2023. Collection method: clinical testing. Allele origin: germline.
Comment: The p.L709M variant (also known as c.2125C>A), located in coding exon 10 of the BRCA2 gene, results from a C to A substitution at nucleotide position 2125. The leucine at codon 709 is replaced by methionine, an amino acid with highly similar properties. This variant was not reported in population based cohorts in the following databases: Database of Single Nucleotide Polymorphisms (dbSNP), NHLBI Exome Sequencing Project (ESP), and 1000 Genomes Project. In the ESP, this variant was not observed in 6503 samples (13006 alleles) with coverage at this position. To date, this alteration has been detected with an allele frequency of approximately 0.0003% (greater than 300000 alleles tested) in our clinical cohort. This amino acid position is not well conserved in available vertebrate species. In addition, this alteration is predicted to be tolerated by in silico analysis. Since supporting evidence is limited at this time, the clinical significance of this alteration remains unclear.